The following is an entry in ClinVar:

ClinVar aggregate classification (germline): Uncertain significance (1 of 4 stars; one submission).

Submission:

GeneDx
Classification: Uncertain significance. Last evaluated: 2025-07-17. Review status: criteria provided, single submitter. Criteria: GeneDx Variant Classification Process June 2021. Collection method: clinical testing. Allele origin: germline. Affected: yes.
Comment: Not observed at significant frequency in large population cohorts (gnomAD); In silico analysis supports that this missense variant has a deleterious effect on protein structure/function; Has not been previously published as pathogenic or benign to our knowledge

NM_018082.6(POLR3B):c.1292T>C (p.Met431Thr)

Gene: POLR3B (RNA polymerase III subunit B; plus strand). Cytogenetic location: 12q23.3.
Variant type: single nucleotide variant.
Coding change: c.1292T>C on transcript NM_018082.6 (MANE Select); coding-DNA position 1292, T replaced by C.
Protein change: p.Met431Thr; replaces methionine 431 with threonine.
Molecular consequence: missense variant.
Genome position (GRCh38, 1-based): chr12:106,430,301, T>C. VCF-style: chr12-106430301-T-C. GRCh37 (hg19) VCF-style: chr12-106824079-T-C.
Other names: c.1118T>C, p.Met373Thr (NM_001160708.2); short protein forms M373T, M431T.
Identifiers: ClinVar variation 4686415 (VCV004686415.1).